The following is an entry in ClinVar:

NM_000059.4(BRCA2):c.1275A>G (p.Glu425=)

Gene: BRCA2 (BRCA2 DNA repair associated; plus strand). Cytogenetic location: 13q13.1.
Variant type: single nucleotide variant.
Coding change: c.1275A>G on transcript NM_000059.4 (MANE Select); coding-DNA position 1275, A replaced by G.
Protein change: p.Glu425=; no amino-acid change (glutamic acid 425 retained).
Molecular consequence: synonymous variant.
Genome position (GRCh38, 1-based): chr13:32,332,753, A>G. VCF-style: chr13-32332753-A-G. GRCh37 (hg19) VCF-style: chr13-32906890-A-G.
Other names: E425E; p.E425E:GAA>GAG; 1503 A>G; NP_000050.3:p.Glu425=.
Identifiers: ClinVar variation 51093 (VCV000051093.89), dbSNP rs34355306, ClinGen allele CA011424.

ClinVar aggregate classification (germline): Benign. Review status: reviewed by expert panel (3 of 4 stars). 28 submissions from 27 submitters: Benign (1). 27 of the submissions do not count toward it. Last evaluated 2015-01-12.

Conditions:
Hereditary cancer-predisposing syndrome. Also called: Neoplastic Syndromes, Hereditary; Tumor predisposition; Hereditary Cancer Syndrome; Hereditary neoplastic syndrome. Identifiers: Orphanet 140162, MedGen C0027672, MeSH D009386, MONDO:0015356.
Breast and/or ovarian cancer. Identifiers: MedGen CN221562.
Hereditary breast ovarian cancer syndrome. Also called: Hereditary breast and/or ovarian cancer syndrome; Hereditary breast and ovarian cancer syndrome; Hereditary breast and ovarian cancer; Hereditary breast and ovarian cancer syndrome (HBOC); Breast and ovarian cancer; BRCA1- and BRCA2-Associated Hereditary Breast and Ovarian Cancer. Identifiers: Orphanet 145, MedGen C0677776, MeSH D061325, MONDO:0003582. Disease mechanism: loss of function.
Fanconi anemia complementation group D1. Also called: BRCA2-Related Fanconi Anemia. Identifiers: Orphanet 319462, MedGen C1838457, MONDO:0011584, OMIM 605724.
Breast-ovarian cancer, familial, susceptibility to, 2 (BROVCA2). Also called: BRCA2 Hereditary Breast and Ovarian Cancer. Identifiers: Orphanet 145, MedGen C2675520, MONDO:0012933, OMIM 612555. Disease mechanism: loss of function.
Malignant tumor of breast. Also called: Malignant breast neoplasm; Cancer breast. Identifiers: MedGen C0006142, MONDO:0007254. Disease mechanism: loss of function.
Familial cancer of breast. Also called: Hereditary breast cancer; BREAST CANCER, FAMILIAL; hereditary breast carcinoma. Identifiers: Orphanet 227535, MedGen C0346153, MONDO:0016419, OMIM 114480. Disease mechanism: loss of function.

Allele frequency attached by ClinVar (database versions not stated): gnomAD exomes 0.00046 and 0.00107; ExAC 0.00134; gnomAD 0.00324 and 0.00335; ESP Exome Variant Server 0.00331; TOPMed 0.00364; 1000 Genomes Project 30x 0.00578; 1000 Genomes Project 0.00659.
gnomAD v4.1: 1,172 of 1,608,514 alleles (0.073%); highest among the groups gnomAD compares: African/African-American, 1.1%; 6 homozygotes.

Submissions 1 to 22 of 28:

Evidence-based Network for the Interpretation of Germline Mutant Alleles (ENIGMA)
Classification: Benign for Breast-ovarian cancer, familial 2. Last evaluated: 2015-01-12. Review status: reviewed by expert panel. Criteria: ENIGMA BRCA1/2 Classification Criteria (2015). Collection method: curation. Allele origin: germline.
Comment: Class 1 not pathogenic based on frequency >1% in an outbred sampleset. Frequency 0.01016 (African), derived from 1000 genomes (2012-04-30).

CeGaT Center for Human Genetics Tuebingen
Classification: Likely benign. Last evaluated: 2026-09-01. Review status: criteria provided, single submitter. Criteria: CeGaT Center For Human Genetics Tuebingen Variant Classification Criteria Version 2. Collection method: clinical testing. Allele origin: germline. Affected: yes. Observed: 1 variant allele. Not counted in ClinVar's aggregate classification.
Comment: BRCA2: BP4, BP7, BS1

Labcorp Genetics (formerly Invitae), Labcorp
Classification: Benign for Hereditary breast ovarian cancer syndrome. Last evaluated: 2026-02-04. Review status: criteria provided, single submitter. Criteria: Invitae Variant Classification Sherloc (09022015). Collection method: clinical testing. Allele origin: germline. Not counted in ClinVar's aggregate classification.

ARUP Laboratories, Molecular Genetics and Genomics, ARUP Laboratories
Classification: Benign. Last evaluated: 2025-03-24. Review status: criteria provided, single submitter. Criteria: ARUP Molecular Germline Variant Investigation Process 2024. Collection method: clinical testing. Allele origin: germline. Not counted in ClinVar's aggregate classification.

Blueprint Genetics
Classification: Benign. Last evaluated: 2024-11-07. Review status: criteria provided, single submitter. Criteria: ACMG Guidelines, 2015. Collection method: clinical testing. Allele origin: germline. Not counted in ClinVar's aggregate classification.

CHEO Genetics Diagnostic Laboratory, Children's Hospital of Eastern Ontario
Classification: Benign for Breast and/or ovarian cancer. Last evaluated: 2023-06-09. Review status: criteria provided, single submitter. Criteria: ACMG Guidelines, 2015. Collection method: clinical testing. Allele origin: germline. Not counted in ClinVar's aggregate classification.

Institute for Biomarker Research, Medical Diagnostic Laboratories, L.L.C.
Classification: Benign for Hereditary breast ovarian cancer syndrome. Last evaluated: 2023-02-14. Review status: criteria provided, single submitter. Criteria: ACMG Guidelines, 2015. Collection method: clinical testing. Allele origin: germline. Not counted in ClinVar's aggregate classification.

National Health Laboratory Service, Universitas Academic Hospital and University of the Free State
Classification: Benign for Hereditary breast ovarian cancer syndrome. Last evaluated: 2022-04-19. Review status: criteria provided, single submitter. Criteria: ACMG Guidelines, 2015. Collection method: clinical testing. Allele origin: germline. Affected: yes. Observed: 9 variant alleles. Not counted in ClinVar's aggregate classification.

Genetics Program, Instituto Nacional de Cancer
Classification: Likely benign for Hereditary breast ovarian cancer syndrome. Last evaluated: 2021-11-01. Review status: criteria provided, single submitter. Criteria: ACMG Guidelines, 2015. Collection method: research. Allele origin: germline. Affected: yes. Not counted in ClinVar's aggregate classification.

Illumina Laboratory Services, Illumina
Classification: Benign for Fanconi anemia complementation group D1. Last evaluated: 2019-05-06. Review status: criteria provided, single submitter. Criteria: ICSL Variant Classification Criteria 13 December 2019. Collection method: clinical testing. Allele origin: germline. Not counted in ClinVar's aggregate classification.
Comment: This variant was observed as part of a predisposition screen in an ostensibly healthy population. A literature search was performed for the gene, cDNA change, and amino acid change (where applicable). No publications were found based on this search. Allele frequency data from public databases was too high to be consistent with this variant causing disease. Therefore, this variant is classified as benign.

Illumina Laboratory Services, Illumina
Classification: Benign for Breast-ovarian cancer, familial, susceptibility to, 2. Last evaluated: 2019-05-06. Review status: criteria provided, single submitter. Criteria: ICSL Variant Classification Criteria 13 December 2019. Collection method: clinical testing. Allele origin: germline. Not counted in ClinVar's aggregate classification.
Comment: This variant was observed as part of a predisposition screen in an ostensibly healthy population. A literature search was performed for the gene, cDNA change, and amino acid change (where applicable). Publications were found based on this search. The evidence from the literature, in combination with allele frequency data from public databases where available, was sufficient to rule this variant out of causing disease. Therefore, this variant is classified as benign.

PreventionGenetics, part of Exact Sciences
Classification: Benign. Last evaluated: 2017-07-11. Review status: criteria provided, single submitter. Criteria: ACMG Guidelines, 2015. Collection method: clinical testing. Allele origin: germline. Not counted in ClinVar's aggregate classification.

Genetic Services Laboratory, University of Chicago
Classification: Benign. Last evaluated: 2017-06-20. Review status: criteria provided, single submitter. Criteria: ACMG Guidelines, 2015. Collection method: clinical testing. Allele origin: germline. Affected: no. Not counted in ClinVar's aggregate classification.

Baylor Genetics
Classification: Benign for Familial cancer of breast. Last evaluated: 2017-02-23. Review status: criteria provided, single submitter. Criteria: ACMG Guidelines, 2015. Collection method: clinical testing. Allele origin: germline. Inheritance: Autosomal dominant inheritance. Affected: no. Not counted in ClinVar's aggregate classification.

Ambry Genetics
Classification: Benign for Hereditary cancer-predisposing syndrome. Last evaluated: 2015-11-10. Review status: criteria provided, single submitter. Criteria: Ambry Variant Classification Scheme 2023. Collection method: clinical testing. Allele origin: germline. Not counted in ClinVar's aggregate classification.

Color Diagnostics, LLC DBA Color Health
Classification: Benign for Hereditary cancer-predisposing syndrome. Last evaluated: 2015-04-08. Review status: criteria provided, single submitter. Criteria: ACMG Guidelines, 2015. Collection method: clinical testing. Allele origin: germline. Not counted in ClinVar's aggregate classification.

Eurofins Ntd Llc (ga)
Classification: Benign. Last evaluated: 2014-12-11. Review status: criteria provided, single submitter. Criteria: EGL Classification Definitions 2015. Collection method: clinical testing. Allele origin: germline. Observed: 2 variant alleles, 2 heterozygotes. Not counted in ClinVar's aggregate classification.

Molecular Genetics Laboratory, University of Michigan
Classification: Benign for Breast-ovarian cancer, familial, susceptibility to, 2. Last evaluated: 2014-11-03. Review status: criteria provided, single submitter. Criteria: ACMG Guidelines, 2015. Collection method: clinical testing. Allele origin: germline. Affected: yes. Not counted in ClinVar's aggregate classification.

GeneDx
Classification: Benign. Last evaluated: 2013-10-29. Review status: criteria provided, single submitter. Criteria: GeneDx Variant Classification (06012015). Collection method: clinical testing. Allele origin: germline. Affected: yes. Not counted in ClinVar's aggregate classification.
Comment: This variant is considered likely benign or benign based on one or more of the following criteria: it is a conservative change, it occurs at a poorly conserved position in the protein, it is predicted to be benign by multiple in silico algorithms, and/or has population frequency not consistent with disease.

Breakthrough Genomics
Classification: Benign. Review status: criteria provided, single submitter. Criteria: ACMG Guidelines, 2015. Collection method: not provided. Allele origin: germline. Inheritance: Autosomal recessive inheritance. Affected: yes. Not counted in ClinVar's aggregate classification.

Mayo Clinic Laboratories, Mayo Clinic
Classification: Likely benign. Last evaluated: 2017-10-09. Review status: no assertion criteria provided. Collection method: clinical testing. Allele origin: unknown. Not counted in ClinVar's aggregate classification.

True Health Diagnostics
Classification: Likely benign for Hereditary cancer-predisposing syndrome. Last evaluated: 2017-09-29. Review status: no assertion criteria provided. Collection method: clinical testing. Allele origin: germline. Not counted in ClinVar's aggregate classification.